The following is an entry in ClinVar:

NM_000507.4(FBP1):c.344T>G (p.Val115Gly)

Gene: FBP1 (fructose-bisphosphatase 1; minus strand). Cytogenetic location: 9q22.32.
Variant type: single nucleotide variant.
Coding change: c.344T>G on transcript NM_000507.4 (MANE Select); coding-DNA position 344, T replaced by G.
Protein change: p.Val115Gly; replaces valine 115 with glycine.
Molecular consequence: missense variant.
Genome position (GRCh38, 1-based): chr9:94,617,850, A>C on the plus strand (T>G on the coding strand, the complement: FBP1 is on the minus strand). VCF-style: chr9-94617850-A-C. GRCh37 (hg19) VCF-style: chr9-97380132-A-C.
Other names: c.344T>G, p.Val115Gly (NM_001127628.2); short protein forms V115G.
Identifiers: ClinVar variation 4813656 (VCV004813656.1).

ClinVar aggregate classification (germline): Likely pathogenic (1 of 4 stars; one submission).

Conditions:
Glycogen storage disease. Also called: glycogen storage disorder; Disorder of glycogen metabolism. Identifiers: Orphanet 79201, MedGen C0017919, MONDO:0002412.

Submission:

Genetics Laboratory, Great Ormond Street Hospital NHS Foundation Trust, North Thames Genomic Laboratory Hub
Classification: Likely pathogenic for Glycogen storage disease. Last evaluated: 2026-01-20. Review status: criteria provided, single submitter. Criteria: ACGS Best Practice Guidelines for Variant Classification in Rare Disease 2024 v1.2. Collection method: clinical testing. Allele origin: germline. Affected: yes.
Comment: PM2_moderate, PP3_supporting, PM3_supporting, PP4_moderate